The following is an entry in ClinVar:

NM_001243133.2(NLRP3):c.2071G>A (p.Glu691Lys)

Gene: NLRP3 (NLR family pyrin domain containing 3; plus strand). Cytogenetic location: 1q44.
Variant type: single nucleotide variant.
Coding change: c.2071G>A on transcript NM_001243133.2 (MANE Select); coding-DNA position 2071, G replaced by A.
Protein change: p.Glu691Lys; replaces glutamic acid 691 with lysine.
Molecular consequence: missense variant.
Genome position (GRCh38, 1-based): chr1:247,425,520, G>A. VCF-style: chr1-247425520-G-A. GRCh37 (hg19) VCF-style: chr1-247588822-G-A.
Other names: c.2071G>A, p.Glu691Lys (NM_001079821.3, NM_001127461.3, NM_001127462.3 and 1 more transcripts); c.2077G>A, p.Glu693Lys (NM_004895.5); short protein forms E693K, E691K.
Identifiers: ClinVar variation 2706714 (VCV002706714.3), dbSNP rs865875411, ClinGen allele CA40692501.

ClinVar aggregate classification (germline): Uncertain significance (1 of 4 stars; one submission).

Conditions:
Cryopyrin associated periodic syndrome (CAPS). Identifiers: Orphanet 208650, MedGen C2316212, MONDO:0016168.

Submission:

Labcorp Genetics (formerly Invitae), Labcorp
Classification: Uncertain significance for Cryopyrin associated periodic syndrome. Last evaluated: 2025-10-21. Review status: criteria provided, single submitter. Criteria: Invitae Variant Classification Sherloc (09022015). Collection method: clinical testing. Allele origin: germline.
Comment: This sequence change replaces glutamic acid, which is acidic and polar, with lysine, which is basic and polar, at codon 693 of the NLRP3 protein (p.Glu693Lys). This variant is not present in population databases (gnomAD no frequency). This variant has not been reported in the literature in individuals affected with NLRP3-related conditions. ClinVar contains an entry for this variant (Variation ID: 2706714). Invitae Evidence Modeling of protein sequence and biophysical properties (such as structural, functional, and spatial information, amino acid conservation, physicochemical variation, residue mobility, and thermodynamic stability) has been performed for this missense variant. However, the output from this modeling did not meet the statistical confidence thresholds required to predict the impact of this variant on NLRP3 protein function. In summary, the available evidence is currently insufficient to determine the role of this variant in disease. Therefore, it has been classified as a Variant of Uncertain Significance.